The following is an entry in ClinVar:

NM_004168.4(SDHA):c.1694C>A (p.Thr565Asn)

Gene: SDHA (succinate dehydrogenase complex flavoprotein subunit A; plus strand). Cytogenetic location: 5p15.33.
Variant type: single nucleotide variant.
Coding change: c.1694C>A on transcript NM_004168.4 (MANE Select); coding-DNA position 1694, C replaced by A.
Protein change: p.Thr565Asn; replaces threonine 565 with asparagine.
Molecular consequence: missense variant. On other transcripts: intron variant (1).
Genome position (GRCh38, 1-based): chr5:251,368, C>A. VCF-style: chr5-251368-C-A. GRCh37 (hg19) VCF-style: chr5-251483-C-A.
Other names: c.1550C>A, p.Thr517Asn (NM_001294332.2); c.1552-3025C>A (NM_001330758.2); short protein forms T565N, T517N.
Identifiers: ClinVar variation 664015 (VCV000664015.14), dbSNP rs757176672, ClinGen allele CA3173337.
Genomic context (GRCh38, chr5:251,368, plus strand): 5'-TGCCCCTGATGGAACTTTTTGTGTCCCCAGGAATGGTCTGGAACACGGACCTGGTGGAGA[C>A]CCTGGAGCTGCAGAACCTGATGCTGTGTGCGCTGCAGACCATCTACGGAGCAGAGGCACG-3'
Protein context (NP_004159.2, residues 555-575): GMVWNTDLVE[Thr565Asn]LELQNLMLCA

ClinVar aggregate classification (germline): Uncertain significance. Review status: criteria provided, multiple submitters, no conflicts (2 of 4 stars). 5 submissions from 5 submitters: Uncertain significance (5). Last evaluated 2025-12-15.

Conditions:
Mitochondrial complex II deficiency, nuclear type 1. Also called: SUCCINATE CoQ REDUCTASE DEFICIENCY. Identifiers: Orphanet 3208, MedGen C5700310, MONDO:0100294, OMIM 252011.
Pheochromocytoma/paraganglioma syndrome 5. Also called: Paragangliomas 5; SDHA-Related Hereditary Paraganglioma-Pheochromocytoma Syndrome. Identifiers: Orphanet 29072, MedGen C3279992, MONDO:0013602, OMIM 614165.
Hereditary cancer-predisposing syndrome. Also called: Tumor predisposition; Hereditary neoplastic syndrome; Hereditary Cancer Syndrome; Neoplastic Syndromes, Hereditary. Identifiers: Orphanet 140162, MedGen C0027672, MeSH D009386, MONDO:0015356.
Dilated cardiomyopathy 1GG (CMD1GG). Identifiers: Orphanet 154, MedGen C3150898, MONDO:0013339, OMIM 613642.
Neurodegeneration with ataxia and late-onset optic atrophy. Identifiers: MedGen C5543254, MONDO:0031006, OMIM 619259.
SDHA-related disorder. Also called: SDHA-related disorders; SDHA-related condition.

Allele frequency attached by ClinVar (database versions not stated): gnomAD exomes 0.00001 and 0.00004; ExAC 0.00007.

Submissions (5):

Labcorp Genetics (formerly Invitae), Labcorp
Classification: Uncertain significance for Pheochromocytoma/paraganglioma syndrome 5; Mitochondrial complex II deficiency, nuclear type 1. Last evaluated: 2025-12-15. Review status: criteria provided, single submitter. Criteria: Invitae Variant Classification Sherloc (09022015). Collection method: clinical testing. Allele origin: germline.
Comment: This sequence change replaces threonine, which is neutral and polar, with asparagine, which is neutral and polar, at codon 565 of the SDHA protein (p.Thr565Asn). This variant is present in population databases (rs757176672, gnomAD 0.02%). This variant has not been reported in the literature in individuals affected with SDHA-related conditions. ClinVar contains an entry for this variant (Variation ID: 664015). Invitae Evidence Modeling of protein sequence and biophysical properties (such as structural, functional, and spatial information, amino acid conservation, physicochemical variation, residue mobility, and thermodynamic stability) has been performed for this missense variant. However, the output from this modeling did not meet the statistical confidence thresholds required to predict the impact of this variant on SDHA protein function. In summary, the available evidence is currently insufficient to determine the role of this variant in disease. Therefore, it has been classified as a Variant of Uncertain Significance.

PreventionGenetics, part of Exact Sciences
Classification: Uncertain significance for SDHA-related condition. Last evaluated: 2025-05-30. Review status: criteria provided, single submitter. Criteria: ACMG Guidelines, 2015. Collection method: clinical testing. Allele origin: germline.
Comment: The SDHA c.1694C>A variant is predicted to result in the amino acid substitution p.Thr565Asn. To our knowledge, this variant has not been reported in the literature. This variant is reported in 0.023% of alleles in individuals of Latino descent in gnomAD. This variant has an interpretation of uncertain significance in ClinVar. At this time, the clinical significance of this variant is uncertain due to the absence of conclusive functional and genetic evidence.

GeneDx
Classification: Uncertain significance. Last evaluated: 2025-02-05. Review status: criteria provided, single submitter. Criteria: GeneDx Variant Classification Process June 2021. Collection method: clinical testing. Allele origin: germline. Affected: yes.
Comment: In silico analysis supports that this missense variant has a deleterious effect on protein structure/function; Has not been previously published as pathogenic or benign to our knowledge

Ambry Genetics
Classification: Uncertain significance for Hereditary cancer-predisposing syndrome. Last evaluated: 2023-10-06. Review status: criteria provided, single submitter. Criteria: Ambry Variant Classification Scheme 2023. Collection method: clinical testing. Allele origin: germline.
Comment: The p.T565N variant (also known as c.1694C>A), located in coding exon 13 of the SDHA gene, results from a C to A substitution at nucleotide position 1694. The threonine at codon 565 is replaced by asparagine, an amino acid with similar properties. This amino acid position is well conserved in available vertebrate species. In addition, the in silico prediction for this alteration is inconclusive. Since supporting evidence is limited at this time, the clinical significance of this alteration remains unclear.

Fulgent Genetics
Classification: Uncertain significance for Mitochondrial complex II deficiency, nuclear type 1; Dilated cardiomyopathy 1GG; Pheochromocytoma/paraganglioma syndrome 5; Neurodegeneration with ataxia and late-onset optic atrophy. Last evaluated: 2021-12-13. Review status: criteria provided, single submitter. Criteria: ACMG Guidelines, 2015. Collection method: clinical testing. Allele origin: unknown.